The following is an entry in ClinVar:

ClinVar aggregate classification (germline): Likely benign (1 of 4 stars; one submission).

Conditions:
ABCA4-related disorder. Also called: ABCA4-related condition; ABCA4-related disorders. Identifiers: MedGen CN239167.

gnomAD v4.1: 46 of 1,523,952 alleles (0.003%); highest among the groups gnomAD compares: East Asian, 0.011%; no homozygotes.

Submission:

PreventionGenetics, part of Exact Sciences
Classification: Likely benign for ABCA4-related condition. Last evaluated: 2026-08-18. Review status: criteria provided, single submitter. Criteria: ACMG Guidelines, 2015. Collection method: clinical testing. Allele origin: germline.
Comment: This variant is classified as likely benign based on ACMG/AMP sequence variant interpretation guidelines (Richards et al. 2015 PMID: 25741868, with internal and published modifications).

NM_000350.3(ABCA4):c.4352+56C>T

Gene: ABCA4 (ATP binding cassette subfamily A member 4; minus strand). Cytogenetic location: 1p22.1.
Variant type: single nucleotide variant.
Coding change: c.4352+56C>T on transcript NM_000350.3 (MANE Select); 56 bases into the intron after coding-DNA position 4352, C replaced by T.
Molecular consequence: intron variant.
Genome position (GRCh38, 1-based): chr1:94,030,372, G>A on the plus strand (C>T on the coding strand, the complement: ABCA4 is on the minus strand). VCF-style: chr1-94030372-G-A. GRCh37 (hg19) VCF-style: chr1-94495928-G-A.
Other names: c.4130+56C>T (NM_001425324.1).
Identifiers: ClinVar variation 4981607 (VCV004981607.1).